The following is an entry in ClinVar:

NM_007294.4(BRCA1):c.2302del (p.Ser768fs)

Gene: BRCA1 (BRCA1 DNA repair associated; minus strand). Cytogenetic location: 17q21.31.
Variant type: Deletion.
Coding change: c.2302del on transcript NM_007294.4 (MANE Select); coding-DNA position 2302, one base deleted (A; older notation c.2302delA).
Protein change: p.Ser768fs; shifts the reading frame from serine 768.
Molecular consequence: frameshift variant. On other transcripts: intron variant (137).
Genome position (GRCh38, 1-based): chr17:43,093,229, T deleted on the plus strand (A on the coding strand, the reverse complement: BRCA1 is on the minus strand). VCF-style (leftmost placement, unchanged base first): chr17-43093228-CT-C. GRCh37 (hg19) VCF-style: chr17-41245245-CT-C.
Other names: c.661+1515del (NM_001408433.1, NM_001408446.1, NM_001408435.1 and 6 more transcripts); c.784+1515del (NM_001408400.1, NM_001408392.1, NM_001407986.1 and 13 more transcripts); c.664+1515del (NM_001408441.1, NM_001408437.1, NM_001408429.1 and 12 more transcripts); c.787+1515del (NM_001407979.1, NM_001407977.1, NM_001407982.1 and 17 more transcripts); c.646+1515del (NM_001408410.1, NM_001408458.1, NM_001408469.1 and 11 more transcripts); c.709+1515del (NM_001408415.1, NM_001408412.1, NM_001408409.1 and 2 more transcripts); c.577+1515del (NM_001408483.1, NM_001408481.1, NM_001408480.1 and 9 more transcripts); c.2089del, p.Ser697fs (NM_001407571.1, NM_001407853.1, NM_001407894.1 and 9 more transcripts); and 42 more; short protein forms S768fs, S721fs, S742fs, S640fs, S720fs, S726fs, S727fs, S600fs.
Identifiers: ClinVar variation 441331 (VCV000441331.9), dbSNP rs1555589953, ClinGen allele CA658653691.

ClinVar aggregate classification (germline): Pathogenic. Review status: reviewed by expert panel (3 of 4 stars). 4 submissions from 4 submitters: Pathogenic (1). 3 of the submissions do not count toward it. Last evaluated 2017-12-15.

Conditions:
Hereditary cancer-predisposing syndrome. Also called: Neoplastic Syndromes, Hereditary; Hereditary neoplastic syndrome; Tumor predisposition; Hereditary Cancer Syndrome. Identifiers: Orphanet 140162, MedGen C0027672, MeSH D009386, MONDO:0015356.
Breast-ovarian cancer, familial, susceptibility to, 1 (BROVCA1). Also called: BRCA1 Hereditary Breast and Ovarian Cancer; OVARIAN CANCER, SUSCEPTIBILITY TO. Identifiers: Orphanet 145, MedGen C2676676, MONDO:0011450, OMIM 604370. Disease mechanism: loss of function.

Submissions (4):

Evidence-based Network for the Interpretation of Germline Mutant Alleles (ENIGMA)
Classification: Pathogenic for Breast-ovarian cancer, familial, susceptibility to, 1. Last evaluated: 2017-12-15. Review status: reviewed by expert panel. Criteria: ENIGMA BRCA1/2 Classification Criteria (2017-06-29). Collection method: curation. Allele origin: germline. Study: ENIGMA.
Comment: Variant allele predicted to encode a truncated non-functional protein.

GeneDx
Classification: Pathogenic. Last evaluated: 2026-02-03. Review status: criteria provided, single submitter. Criteria: GeneDx Variant Classification Process June 2021. Collection method: clinical testing. Allele origin: germline. Not counted in ClinVar's aggregate classification.
Comment: Frameshift variant predicted to result in protein truncation or nonsense mediated decay in a gene for which loss of function is a known mechanism of disease; Truncating variants in this gene are considered pathogenic by a well-established clinical consortium and/or database; Not observed at significant frequency in large population cohorts (gnomAD); Also known as 2321del; This variant is associated with the following publications: (PMID: 30702160, 31825140, 32467295, 35864222, 28724667, 36922933, 33461583)

Ambry Genetics
Classification: Pathogenic for Hereditary cancer-predisposing syndrome. Last evaluated: 2023-09-27. Review status: criteria provided, single submitter. Criteria: Ambry Variant Classification Scheme 2023. Collection method: clinical testing. Allele origin: germline. Not counted in ClinVar's aggregate classification.
Comment: The c.2302delA pathogenic mutation, located in coding exon 9 of the BRCA1 gene, results from a deletion of one nucleotide at nucleotide position 2302, causing a translational frameshift with a predicted alternate stop codon (p.S768Vfs*24). This alteration is expected to result in loss of function by premature protein truncation or nonsense-mediated mRNA decay. As such, this alteration is interpreted as a disease-causing mutation.

Baylor Genetics
Classification: Pathogenic for Breast-ovarian cancer, familial, susceptibility to, 1. Last evaluated: 2022-10-07. Review status: criteria provided, single submitter. Criteria: ACMG Guidelines, 2015. Collection method: clinical testing. Allele origin: unknown. Not counted in ClinVar's aggregate classification.